The following is an entry in ClinVar:

NM_001394998.1(TANC2):c.1072G>A (p.Asp358Asn)

Gene: TANC2 (tetratricopeptide repeat, ankyrin repeat and coiled-coil containing 2; plus strand). Cytogenetic location: 17q23.3.
Variant type: single nucleotide variant.
Coding change: c.1072G>A on transcript NM_001394998.1 (MANE Select); coding-DNA position 1072, G replaced by A.
Protein change: p.Asp358Asn; replaces aspartic acid 358 with asparagine.
Molecular consequence: missense variant.
Genome position (GRCh38, 1-based): chr17:63,267,786, G>A. VCF-style: chr17-63267786-G-A. GRCh37 (hg19) VCF-style: chr17-61345147-G-A.
Other names: c.850G>A, p.Asp284Asn (NM_001411076.1, NM_025185.4); short protein forms D284N, D358N.
Identifiers: ClinVar variation 4883435 (VCV004883435.2).

ClinVar aggregate classification (germline): Uncertain significance (1 of 4 stars; one submission).

Submission:

Dasa
Classification: Uncertain significance. Last evaluated: 2026-03-29. Review status: criteria provided, single submitter. Criteria: DASA Assertion Criteria. Collection method: clinical testing. Allele origin: germline.
Comment: NM_001394998.1(TANC2):c.1072G>A (p.Asp358Asn) is a missense variant that results in the substitution of aspartic acid with asparagine. This variant is rare in population databases. The currently available literature and clinical evidence are not sufficient to establish a definitive association between this variant and the reported condition. Therefore, this variant is classified as a variant of uncertain significance.